The following is an entry in ClinVar:

NM_006267.5(RANBP2):c.3028A>C (p.Met1010Leu)

Gene: RANBP2 (RAN binding protein 2; plus strand). Cytogenetic location: 2q13.
Variant type: single nucleotide variant.
Coding change: c.3028A>C on transcript NM_006267.5 (MANE Select); coding-DNA position 3028, A replaced by C.
Protein change: p.Met1010Leu; replaces methionine 1010 with leucine.
Molecular consequence: missense variant.
Genome position (GRCh38, 1-based): chr2:108,763,567, A>C. VCF-style: chr2-108763567-A-C. GRCh37 (hg19) VCF-style: chr2-109380023-A-C.
Other names: short protein forms M1010L.
Identifiers: ClinVar variation 962977 (VCV000962977.10), dbSNP rs758609757, ClinGen allele CA1822858.
Genomic context (GRCh38, chr2:108,763,567, plus strand): 5'-GCTTCAAGATCTGCAGAATCTAAGACTATAGAATTTGGGAAAACTAATTTTGTTCAGCCC[A>C]TGCCGGGTGAAGGATTAAGGCCATCTTTGCCAACACAAGCACACACAACACAGCCAACTC-3'
Protein context (NP_006258.3, residues 1000-1020): EFGKTNFVQP[Met1010Leu]PGEGLRPSLP

ClinVar aggregate classification (germline): Uncertain significance (1 of 4 stars; one submission).

Conditions:
Familial acute necrotizing encephalopathy (IIAE3). Also called: ENCEPHALOPATHY, ACUTE, INFECTION-INDUCED, SUSCEPTIBILITY TO, 3; Susceptibility to Acute Necrotizing Encephalopathy 1. Identifiers: Orphanet 88619, MedGen C2675556, MONDO:0011953, OMIM 608033.

Allele frequency attached by ClinVar (database versions not stated): ExAC 0.00001.

Submission:

Labcorp Genetics (formerly Invitae), Labcorp
Classification: Uncertain significance for Familial acute necrotizing encephalopathy. Last evaluated: 2019-10-09. Review status: criteria provided, single submitter. Criteria: Invitae Variant Classification Sherloc (09022015). Collection method: clinical testing. Allele origin: germline.
Comment: This sequence change replaces methionine with leucine at codon 1010 of the RANBP2 protein (p.Met1010Leu). The methionine residue is highly conserved and there is a small physicochemical difference between methionine and leucine. This variant is present in population databases (rs758609757, ExAC 0.006%). This variant has not been reported in the literature in individuals with RANBP2-related conditions. Algorithms developed to predict the effect of missense changes on protein structure and function output the following: SIFT: "Tolerated"; PolyPhen-2: "Benign"; Align-GVGD: "Class C0". The leucine amino acid residue is found in multiple mammalian species, suggesting that this missense change does not adversely affect protein function. These predictions have not been confirmed by published functional studies and their clinical significance is uncertain. In summary, the available evidence is currently insufficient to determine the role of this variant in disease. Therefore, it has been classified as a Variant of Uncertain Significance.